The following is an entry in ClinVar:

ClinVar aggregate classification (germline): Likely benign (0 of 4 stars; one submission).

Conditions:
MUC16-related disorder. Also called: MUC16-related condition.

Allele frequency attached by ClinVar (database versions not stated): gnomAD exomes 0.00001; ExAC 0.00002; gnomAD 0.00004; TOPMed 0.00004.

Submission:

PreventionGenetics, part of Exact Sciences
Classification: Likely benign for MUC16-related condition. Last evaluated: 2019-07-01. Review status: no assertion criteria provided. Collection method: clinical testing. Allele origin: germline.
Comment: This variant is classified as likely benign based on ACMG/AMP sequence variant interpretation guidelines (Richards et al. 2015 PMID: 25741868, with internal and published modifications).

NM_001401501.2(MUC16):c.7566C>T (p.Asp2522=)

Genes: MUC16 (mucin 16, cell surface associated; minus strand), LOC129391057 (MPRA-validated peak3341 silencer; plus strand). Cytogenetic location: 19p13.2.
Variant type: single nucleotide variant.
Coding change: c.7566C>T on transcript NM_001401501.2 (MANE Select); coding-DNA position 7566, C replaced by T.
Protein change: p.Asp2522=; no amino-acid change (aspartic acid 2522 retained).
Molecular consequence: synonymous variant.
Genome position (GRCh38, 1-based): chr19:8,973,693, G>A on the plus strand (C>T on the coding strand, the complement: MUC16 is on the minus strand). VCF-style: chr19-8973693-G-A. GRCh37 (hg19) VCF-style: chr19-9084369-G-A.
Other names: c.7992C>T, p.Asp2664= (NM_001414686.1); c.7446C>T, p.Asp2482= (NM_001414687.1, NM_024690.2).
Identifiers: ClinVar variation 3042473 (VCV003042473.2), dbSNP rs756895407, ClinGen allele CA9172187.